The following is an entry in ClinVar:

NM_015057.5(MYCBP2):c.1542C>T (p.Phe514=)

Gene: MYCBP2 (MYC binding protein 2; minus strand). Cytogenetic location: 13q22.3.
Variant type: single nucleotide variant.
Coding change: c.1542C>T on transcript NM_015057.5 (MANE Select); coding-DNA position 1542, C replaced by T.
Protein change: p.Phe514=; no amino-acid change (phenylalanine 514 retained).
Molecular consequence: synonymous variant.
Genome position (GRCh38, 1-based): chr13:77,263,679, G>A on the plus strand (C>T on the coding strand, the complement: MYCBP2 is on the minus strand). VCF-style: chr13-77263679-G-A. GRCh37 (hg19) VCF-style: chr13-77837814-G-A.
Identifiers: ClinVar variation 3046139 (VCV003046139.2), dbSNP rs149066307, ClinGen allele CA7010455.
Genomic context (GRCh38, chr13:77,263,679, plus strand): 5'-ATATAGGGAAAACACTTAATTTGCTATCTTACTTATAATATGCAAGTCCTTTTCCAGATC[G>A]AATAGTGAGATACCACAGGCATGTAAGCATTTTCTAGCCAGTTTAAGTTGCAATTCTTGC-3'
Protein context (NP_055872.4, residues 504-524): KCLHACGISL[Phe514=]DLEKDLHIIS

ClinVar aggregate classification (germline): Likely benign (0 of 4 stars; one submission).

Conditions:
MYCBP2-related disorder. Also called: MYCBP2-related condition.

Allele frequency attached by ClinVar (database versions not stated): gnomAD exomes 0.00006; ExAC 0.00013; ESP Exome Variant Server 0.00046; 1000 Genomes Project 30x 0.00047; gnomAD 0.00049; 1000 Genomes Project 0.00060; TOPMed 0.00060.
gnomAD v4.1: 164 of 1,612,408 alleles (0.01%); highest among the groups gnomAD compares: African/African-American, 0.16%; 1 homozygote.

Submission:

PreventionGenetics, part of Exact Sciences
Classification: Likely benign for MYCBP2-related condition. Last evaluated: 2019-02-28. Review status: no assertion criteria provided. Collection method: clinical testing. Allele origin: germline.
Comment: This variant is classified as likely benign based on ACMG/AMP sequence variant interpretation guidelines (Richards et al. 2015 PMID: 25741868, with internal and published modifications).